The following is an entry in ClinVar:

NM_000397.4(CYBB):c.37_45+2del

Genes: CYBB (cytochrome b-245 beta chain; plus strand), LOC130068093 (ATAC-STARR-seq lymphoblastoid active region 29519; plus strand). Cytogenetic location: Xp21.1.
Variant type: Deletion.
Coding change: c.37_45+2del on transcript NM_000397.4 (MANE Select); coding-DNA position 37 through the canonical splice donor site of the intron after coding-DNA position 45, 11 bases deleted (TTTGTCATTGT).
Molecular consequence: splice donor variant.
Genome position (GRCh38, 1-based): chrX:37,780,114-37,780,124, TTTGTCATTGT deleted; deleting any 11 consecutive bases within chrX:37,780,113-37,780,124 gives the same sequence; the c. name uses the placement nearest the transcript's 3' end. VCF-style (leftmost placement, unchanged base first): chrX-37780112-TTTTTGTCATTG-T. GRCh37 (hg19) VCF-style: chrX-37639365-TTTTTGTCATTG-T.
Other names: c.37_45+2delTTTGTCATTGT (NM_000397.3).
Identifiers: ClinVar variation 533560 (VCV000533560.9), dbSNP rs1556464116, ClinGen allele CA658799687.

ClinVar aggregate classification (germline): Pathogenic (1 of 4 stars; one submission).

Conditions:
Granulomatous disease, chronic, X-linked. Also called: CYTOCHROME b-NEGATIVE GRANULOMATOUS DISEASE, CHRONIC, X-LINKED; GRANULOMATOUS DISEASE, CHRONIC, X-LINKED, SOMATIC MOSAIC. Identifiers: Orphanet 379, MedGen C1844376, MONDO:0010600, OMIM 306400.

Submission:

Labcorp Genetics (formerly Invitae), Labcorp
Classification: Pathogenic for Granulomatous disease, chronic, X-linked. Last evaluated: 2022-07-26. Review status: criteria provided, single submitter. Criteria: Invitae Variant Classification Sherloc (09022015). Collection method: clinical testing. Allele origin: germline.
Comment: This sequence change affects a splice site in intron 1 of the CYBB gene. It is expected to disrupt RNA splicing. Variants that disrupt the donor or acceptor splice site typically lead to a loss of protein function (PMID: 16199547), and loss-of-function variants in CYBB are known to be pathogenic (PMID: 9585602, 20729109). This variant is not present in population databases (gnomAD no frequency). Disruption of this splice site has been observed in individuals with chronic granulomatous disease (PMID: 31813112; Invitae). ClinVar contains an entry for this variant (Variation ID: 533560). Algorithms developed to predict the effect of sequence changes on RNA splicing suggest that this variant may disrupt the consensus splice site. For these reasons, this variant has been classified as Pathogenic.

Literature cited by the submitters: PubMed 16199547; PubMed 9585602; PubMed 20729109; PubMed 31813112.